The following is an entry in ClinVar:

NM_032383.5(HPS3):c.1779G>A (p.Trp593Ter)

Gene: HPS3 (HPS3 biogenesis of lysosomal organelles complex 2 subunit 1; plus strand). Cytogenetic location: 3q24.
Variant type: single nucleotide variant.
Coding change: c.1779G>A on transcript NM_032383.5 (MANE Select); coding-DNA position 1779, G replaced by A.
Protein change: p.Trp593Ter; replaces tryptophan 593 with a stop codon.
Molecular consequence: nonsense.
Genome position (GRCh38, 1-based): chr3:149,158,753, G>A. VCF-style: chr3-149158753-G-A. GRCh37 (hg19) VCF-style: chr3-148876540-G-A.
Other names: c.1284G>A, p.Trp428Ter (NM_001308258.2); short protein forms W428*, W593*.
Identifiers: ClinVar variation 4816323 (VCV004816323.1).
Genomic context (GRCh38, chr3:149,158,753, plus strand): 5'-CTTGCCATACTATAAGATGTCTGGTTTGTCTATGGCTGAAGTTCTGGCCCGCACGGACTG[G>A]ACAGTAGAGGATGGATTACAGAAATACGAGAGAGGATTAATCTTTTACATTAATCATTCA-3'

ClinVar aggregate classification (germline): Pathogenic (1 of 4 stars; one submission).

Conditions:
Hermansky-Pudlak syndrome (HPS). Also called: ALBINISM WITH HEMORRHAGIC DIATHESIS AND PIGMENTED RETICULOENDOTHELIAL CELLS. Identifiers: Orphanet 79430, MedGen C0079504, MONDO:0019312.

Submission:

Natera, Inc.
Classification: Pathogenic for Hermansky-Pudlak syndrome. Last evaluated: 2024-03-21. Review status: criteria provided, single submitter. Criteria: Natera Variant Classification Schema (03/2026). Collection method: clinical testing. Allele origin: germline.
Comment: The c.1779G>A variant in HPS3 is a nonsense variant predicted to introduce a stop codon at amino acid 593. This variant is expected to result in nonsense mediated decay, truncation, or a dysfunctional protein product. This variant is rare in the general population with a frequency below the threshold expected for the associated phenotype(s). This variant has been observed in one or more individuals affected with the associated recessive disease, as either homozygous or compound heterozygous with a second variant (PMID: 25949529). Given the available evidence, this variant is classified as Pathogenic.

Literature cited by the submitters: PubMed 25949529.